The following is an entry in ClinVar:

ClinVar aggregate classification (germline): Conflicting classifications of pathogenicity. Review status: criteria provided, conflicting classifications (1 of 4 stars). 4 submissions from 4 submitters: Pathogenic (1); Likely pathogenic (2); Uncertain significance (1). Last evaluated 2025-09-20.

Conditions:
Hereditary cancer-predisposing syndrome. Also called: Tumor predisposition; Hereditary Cancer Syndrome; Neoplastic Syndromes, Hereditary; Hereditary neoplastic syndrome. Identifiers: Orphanet 140162, MedGen C0027672, MeSH D009386, MONDO:0015356.
Hereditary breast ovarian cancer syndrome. Also called: BRCA1- and BRCA2-Associated Hereditary Breast and Ovarian Cancer; Hereditary breast and ovarian cancer syndrome; Hereditary breast and ovarian cancer; Hereditary breast and ovarian cancer syndrome (HBOC); Hereditary breast and/or ovarian cancer syndrome; Breast and ovarian cancer. Identifiers: Orphanet 145, MedGen C0677776, MeSH D061325, MONDO:0003582. Disease mechanism: loss of function.

Submissions (4):

Labcorp Genetics (formerly Invitae), Labcorp
Classification: Pathogenic for Hereditary breast ovarian cancer syndrome. Last evaluated: 2025-09-20. Review status: criteria provided, single submitter. Criteria: Invitae Variant Classification Sherloc (09022015). Collection method: clinical testing. Allele origin: germline.
Comment: This sequence change creates a premature translational stop signal (p.Arg2295Asnfs*43) in the BRCA2 gene. It is expected to result in an absent or disrupted protein product. Loss-of-function variants in BRCA2 are known to be pathogenic (PMID: 20104584). This variant is not present in population databases (gnomAD no frequency). This variant has not been reported in the literature in individuals affected with BRCA2-related conditions. ClinVar contains an entry for this variant (Variation ID: 619816). Algorithms developed to predict the effect of sequence changes on RNA splicing suggest that this variant may disrupt the consensus splice site. For these reasons, this variant has been classified as Pathogenic.

Color Diagnostics, LLC DBA Color Health
Classification: Likely pathogenic for Hereditary cancer-predisposing syndrome. Last evaluated: 2024-06-07. Review status: criteria provided, single submitter. Criteria: ACMG Guidelines, 2015. Collection method: clinical testing. Allele origin: germline.
Comment: This variant deletes 5 nucleotides in exon 12 of the BRCA2 gene, creating a premature translation stop signal. This variant is expected to result in an absent or non-functional protein product. Loss of BRCA2 function is a known mechanism of disease. This variant has been reported in an individual affected with breast cancer (PMID: 28831036). This variant has not been identified in the general population by the Genome Aggregation Database (gnomAD). It has been shown that a transcript lacking exon 12 (delEx12) is detected at low levels (10-20%) in healthy individuals (PMID: 19795481, 32046981). This delEx12 transcript has shown varying levels of BRCA2 activity in BRCA2-null mouse embryonic stem cells (PMID: 19795481, 32046981). Of note, two of 11 truncation variants occurring in exon 12 have been shown to increase the delEx12 transcript levels to ~50% of total transcripts in the cells derived from two carriers (PMID: 32046981). However, family studies did not show a correlation of this observation with clinical outcome, and the delEx12 transcript-inducing variants were observed in multiple individuals affected with breast cancer (PMID: 32046981). In summary, limited data suggest that the deleterious effects of certain truncation variants occurring in exon 12 may be alleviated due to the induction of delEx12 transcript. However, the clinical relevance of this observation is not clearly established. Although additional studies are necessary to determine the role of this c.6849del variant in disease conclusively, the available evidence indicates that this variant is likely to result in the loss of BRCA2 function. Therefore, this variant is classified as Likely Pathogenic.

Ambry Genetics
Classification: Uncertain significance for Hereditary cancer-predisposing syndrome. Last evaluated: 2023-10-11. Review status: criteria provided, single submitter. Criteria: Ambry Variant Classification Scheme 2023. Collection method: clinical testing. Allele origin: germline.
Comment: The c.6884_6888delGGATA variant, located in coding exon 11 of the BRCA2 gene, results from a deletion of 5 nucleotides at nucleotide positions 6884 to 6888, causing a translational frameshift with a predicted alternate stop codon (p.R2295Nfs*43). This alteration is expected to result in loss of function by premature protein truncation or nonsense-mediated mRNA decay. However, this variant occurs in an exon that is absent in biologically relevant transcripts. Of note, this exon is referred to as exon 12 in the literature, and has been reported as redundant based on clinical and functional studies (Li L et al. Hum. Mutat. 2009 Nov;30(11):1543-50, Fackenthal J et al. J Med Genet. 2016 Aug; 53(8):548-58). Therefore, the functional consequences of this variant are uncertain, since the degree to which the naturally occurring isoform unaffected by this variant may rescue any deleterious effects remains unknown. Since supporting evidence is limited at this time, the clinical significance of this alteration remains unclear.

Quest Diagnostics Nichols Institute San Juan Capistrano
Classification: Likely pathogenic. Last evaluated: 2018-03-28. Review status: criteria provided, single submitter. Criteria: Quest Diagnostics criteria. Collection method: clinical testing. Allele origin: germline.

Literature cited by the submitters: PubMed 20104584 (cited by Labcorp Genetics (formerly Invitae), Labcorp); PubMed 19795481 (cited by Color Diagnostics, LLC DBA Color Health); PubMed 28831036 (cited by Color Diagnostics, LLC DBA Color Health); PubMed 32046981 (cited by Color Diagnostics, LLC DBA Color Health).

NM_000059.4(BRCA2):c.6884_6888del (p.Arg2295fs)

Gene: BRCA2 (BRCA2 DNA repair associated; plus strand). Cytogenetic location: 13q13.1.
Variant type: Deletion.
Coding change: c.6884_6888del on transcript NM_000059.4 (MANE Select); coding-DNA positions 6884 to 6888, 5 bases deleted (GGATA; older notation c.6884_6888delGGATA).
Protein change: p.Arg2295fs; shifts the reading frame from arginine 2295.
Molecular consequence: frameshift variant.
Genome position (GRCh38, 1-based): chr13:32,344,600-32,344,604, GGATA deleted; deleting any 5 consecutive bases within chr13:32,344,599-32,344,604 gives the same sequence; the c. name uses the placement nearest the transcript's 3' end. VCF-style (leftmost placement, unchanged base first): chr13-32344598-CAGGAT-C. GRCh37 (hg19) VCF-style: chr13-32918735-CAGGAT-C.
Other names: c.6884_6888delGGATA (NM_000059.3); short protein forms R2295fs.
Identifiers: ClinVar variation 619816 (VCV000619816.16), dbSNP rs1566236904, ClinGen allele CA913188597.